The following is an entry in ClinVar:

NM_001355436.2(SPTB):c.1628G>A (p.Trp543Ter)

Gene: SPTB (spectrin beta, erythrocytic; minus strand). Cytogenetic location: 14q23.3.
Variant type: single nucleotide variant.
Coding change: c.1628G>A on transcript NM_001355436.2 (MANE Select); coding-DNA position 1628, G replaced by A.
Protein change: p.Trp543Ter; replaces tryptophan 543 with a stop codon.
Molecular consequence: nonsense.
Genome position (GRCh38, 1-based): chr14:64,795,353, C>T on the plus strand (G>A on the coding strand, the complement: SPTB is on the minus strand). VCF-style: chr14-64795353-C-T. GRCh37 (hg19) VCF-style: chr14-65262071-C-T.
Other names: c.1628G>A, p.Trp543Ter (NM_001024858.4, NM_001355437.2); short protein forms W543*.
Identifiers: ClinVar variation 1810246 (VCV001810246.2), dbSNP rs2503173064, ClinGen allele CA390022782.

ClinVar aggregate classification (germline): Pathogenic (1 of 4 stars; one submission).

Conditions:
Anemia. Also called: Anemia (disease). Identifiers: MedGen C0002871, MONDO:0002280, HP:0001903.

Submission:

Dubai Health Genomic Medicine Center, Dubai Health
Classification: Pathogenic for Anemia. Last evaluated: 2024-10-04. Review status: criteria provided, single submitter. Criteria: ACMG Guidelines, 2015. Collection method: research. Allele origin: germline. Affected: yes.
Comment: PVS1, PM3, PM2